The following is an entry in ClinVar:

ClinVar aggregate classification (germline): Uncertain significance (1 of 4 stars; one submission).

Conditions:
Dyskeratosis congenita. Identifiers: Orphanet 1775, MedGen C0265965, MONDO:0015780.

gnomAD v4.1: 1 of 1,582,256 alleles (0.000063%); highest among the groups gnomAD compares: Non-Finnish European, 0.000086%; no homozygotes.

Submission:

Ambry Genetics
Classification: Uncertain significance for Dyskeratosis congenita. Last evaluated: 2025-04-06. Review status: criteria provided, single submitter. Criteria: Ambry Variant Classification Scheme 2023. Collection method: clinical testing. Allele origin: germline.
Comment: The p.G252R variant (also known as c.754G>C), located in coding exon 2 of the TERT gene, results from a G to C substitution at nucleotide position 754. The glycine at codon 252 is replaced by arginine, an amino acid with dissimilar properties. This amino acid position is conserved. In addition, this alteration is predicted to be tolerated by in silico analysis. Based on the available evidence, the clinical significance of this variant remains unclear.

NM_198253.3(TERT):c.754G>C (p.Gly252Arg)

Gene: TERT (telomerase reverse transcriptase; minus strand). Cytogenetic location: 5p15.33.
Variant type: single nucleotide variant.
Coding change: c.754G>C on transcript NM_198253.3 (MANE Select); coding-DNA position 754, G replaced by C.
Protein change: p.Gly252Arg; replaces glycine 252 with arginine.
Molecular consequence: missense variant. On other transcripts: non-coding transcript variant (2).
Genome position (GRCh38, 1-based): chr5:1,294,132, C>G on the plus strand (G>C on the coding strand, the complement: TERT is on the minus strand). VCF-style: chr5-1294132-C-G. GRCh37 (hg19) VCF-style: chr5-1294247-C-G.
Other names: c.754G>C, p.Gly252Arg (NM_001193376.3); short protein forms G252R.
Identifiers: ClinVar variation 3967347 (VCV003967347.1).
Genomic context (GRCh38, chr5:1,294,132, plus strand): 5'-CACAGAAACCACGGTCACTCGGTCCACGCGTCCTGCCCGGGTGGGCCCAGGACCCCTGCC[C>G]AACGGGCGTCCGCTCCGGCTCAGGGGCAGCGCCACGCCTGGGCCTCTTGGGCAACGGCAG-3'
Protein context (NP_937983.2, residues 242-262): AAPEPERTPV[Gly252Arg]QGSWAHPGRT